The following is an entry in ClinVar:

ClinVar aggregate classification (germline): Pathogenic (1 of 4 stars; one submission).

Conditions:
Hereditary spastic paraplegia 39 (SPG39). Also called: Spastic Paraplegia Type 39 (SPG39); SPASTIC PARAPLEGIA 39, AUTOSOMAL RECESSIVE. Identifiers: Orphanet 139480, MedGen C2677586, MONDO:0012787, OMIM 612020.

Allele frequency attached by ClinVar (database versions not stated): TOPMed below 0.00001.

Submission:

Labcorp Genetics (formerly Invitae), Labcorp
Classification: Pathogenic for Hereditary spastic paraplegia 39. Last evaluated: 2022-06-27. Review status: criteria provided, single submitter. Criteria: Invitae Variant Classification Sherloc (09022015). Collection method: clinical testing. Allele origin: germline.
Comment: This sequence change creates a premature translational stop signal (p.Val526Argfs*41) in the PNPLA6 gene. It is expected to result in an absent or disrupted protein product. Loss-of-function variants in PNPLA6 are known to be pathogenic (PMID: 24355708). This variant is not present in population databases (gnomAD no frequency). This variant has not been reported in the literature in individuals affected with PNPLA6-related conditions. For these reasons, this variant has been classified as Pathogenic.

Literature cited by the submitters: PubMed 24355708.

NM_001166114.2(PNPLA6):c.1692dup (p.Val565fs)

Gene: PNPLA6 (patatin like domain 6, lysophospholipase; plus strand). Cytogenetic location: 19p13.2.
Variant type: Duplication.
Coding change: c.1692dup on transcript NM_001166114.2 (MANE Select); coding-DNA position 1692, one base duplicated (C; older notation c.1692dupC).
Protein change: p.Val565fs; shifts the reading frame from valine 565.
Molecular consequence: frameshift variant.
Genome position (GRCh38, 1-based): chr19:7,549,990, C duplicated. VCF-style (leftmost placement, unchanged base first): chr19-7549989-T-TC. GRCh37 (hg19) VCF-style: chr19-7614875-T-TC.
Other names: c.1719dup, p.Val574fs (NM_001166111.2); c.1497dup, p.Val500fs (NM_001166112.2); c.1575dup, p.Val526fs (NM_001166113.1, NM_006702.5); short protein forms V500fs, V565fs, V574fs, V526fs.
Identifiers: ClinVar variation 1381532 (VCV001381532.6), dbSNP rs2023573141, ClinGen allele CA2320973810.